The following is an entry in ClinVar:

ClinVar aggregate classification (germline): Uncertain significance. Review status: criteria provided, multiple submitters, no conflicts (2 of 4 stars). 2 submissions from 2 submitters: Uncertain significance (2). Last evaluated 2026-01-20.

Allele frequency attached by ClinVar (database versions not stated): gnomAD exomes 0.00001.
gnomAD v4.1: 15 of 1,609,602 alleles (0.00093%); highest among the groups gnomAD compares: Non-Finnish European, 0.0012%; no homozygotes.

Submissions (2):

Women's Health and Genetics/Laboratory Corporation of America, LabCorp
Classification: Uncertain significance. Last evaluated: 2026-01-20. Review status: criteria provided, single submitter. Criteria: LabCorp Variant Classification Summary - May 2015. Collection method: clinical testing. Allele origin: germline.
Comment: Variant summary: MTOR c.6632A>G (p.Asn2211Ser) results in a conservative amino acid change located in the catalytic domain (IPR026683) of the encoded protein sequence. Algorithms developed to predict the effect of missense changes on protein structure and function are either unavailable or do not agree on the potential impact of this missense change. The variant allele was found at a frequency of 9.4e-06 in 1602632 control chromosomes (gnomAD). This frequency is not significantly higher than estimated for disease-causing variants in MTOR, allowing no conclusion about variant significance. To our knowledge, no occurrence of c.6632A>G in individuals affected with MTOR-related conditions and no experimental evidence demonstrating its impact on protein function have been reported. ClinVar contains an entry for this variant (Variation ID: 659470). Based on the evidence outlined above, the variant was classified as uncertain significance.

Labcorp Genetics (formerly Invitae), Labcorp
Classification: Uncertain significance. Last evaluated: 2018-11-24. Review status: criteria provided, single submitter. Criteria: Invitae Variant Classification Sherloc (09022015). Collection method: clinical testing. Allele origin: germline.
Comment: Algorithms developed to predict the effect of missense changes on protein structure and function are either unavailable or do not agree on the potential impact of this missense change (SIFT: "Deleterious"; PolyPhen-2: "Benign"; Align-GVGD: "Class C0"). This variant has not been reported in the literature in individuals with MTOR-related conditions. This variant is not present in population databases (ExAC no frequency). This sequence change replaces asparagine with serine at codon 2211 of the MTOR protein (p.Asn2211Ser). The asparagine residue is moderately conserved and there is a small physicochemical difference between asparagine and serine. In summary, the available evidence is currently insufficient to determine the role of this variant in disease. Therefore, it has been classified as a Variant of Uncertain Significance. Algorithms developed to predict the effect of sequence changes on RNA splicing suggest that this variant may create or strengthen a splice site, but this prediction has not been confirmed by published transcriptional studies.

NM_004958.4(MTOR):c.6632A>G (p.Asn2211Ser)

Gene: MTOR (mechanistic target of rapamycin kinase; minus strand). Cytogenetic location: 1p36.22.
Variant type: single nucleotide variant.
Coding change: c.6632A>G on transcript NM_004958.4 (MANE Select); coding-DNA position 6632, A replaced by G.
Protein change: p.Asn2211Ser; replaces asparagine 2211 with serine.
Molecular consequence: missense variant.
Genome position (GRCh38, 1-based): chr1:11,124,528, T>C on the plus strand (A>G on the coding strand, the complement: MTOR is on the minus strand). VCF-style: chr1-11124528-T-C. GRCh37 (hg19) VCF-style: chr1-11184585-T-C.
Other names: c.6632A>G (LRG_734t1); short protein forms N2211S.
Identifiers: ClinVar variation 659470 (VCV000659470.9), dbSNP rs1570934332, ClinGen allele CA338387341.